The following is an entry in ClinVar:

ClinVar aggregate classification (germline): Likely pathogenic. Review status: criteria provided, multiple submitters, no conflicts (2 of 4 stars). 2 submissions from 2 submitters: Likely pathogenic (2). Last evaluated 2025-09-30.

Conditions:
Autosomal recessive nonsyndromic hearing loss 77. Identifiers: Orphanet 90636, MedGen C2746083, MONDO:0013119, OMIM 613079.

Submissions (2):

Natera, Inc.
Classification: Likely pathogenic for Autosomal recessive deafness type 77. Last evaluated: 2025-09-30. Review status: criteria provided, single submitter. Criteria: Natera Variant Classification Schema (03/2026). Collection method: clinical testing. Allele origin: germline.
Comment: The c.6546del variant in LOXHD1 is a frameshift variant predicted to elongate the protein beyond the termination codon. This variant is expected to result in nonsense mediated decay, truncation, or a dysfunctional protein product. This variant is rare in the general population with a frequency below the threshold expected for the associated phenotype(s). Given the available evidence, this variant is classified as Likely Pathogenic.

MVZ Medizinische Genetik Mainz
Classification: Likely pathogenic for Autosomal recessive nonsyndromic hearing loss 77. Last evaluated: 2021-10-14. Review status: criteria provided, single submitter. Criteria: UK Practice Guidelines For Variant Classification V4 01 2020. Collection method: clinical testing. Allele origin: germline. Inheritance: Autosomal recessive inheritance. Affected: yes. Observed: 1 variant allele.
Comment: ACMG Criteria: PVS1, PM2_SUP; Compound Heterozygote

NM_001384474.1(LOXHD1):c.6732del (p.Gly2245fs)

Gene: LOXHD1 (lipoxygenase homology PLAT domains 1; minus strand). Cytogenetic location: 18q21.1.
Variant type: Deletion.
Coding change: c.6732del on transcript NM_001384474.1 (MANE Select); coding-DNA position 6732, one base deleted (C; older notation c.6732delC).
Protein change: p.Gly2245fs; shifts the reading frame from glycine 2245.
Molecular consequence: frameshift variant. On other transcripts: intron variant (3).
Genome position (GRCh38, 1-based): chr18:46,477,562, G deleted on the plus strand (C on the coding strand, the reverse complement: LOXHD1 is on the minus strand); the first of 2 consecutive G bases (chr18:46,477,562-46,477,563); deleting either gives the same sequence. VCF-style (leftmost placement, unchanged base first): chr18-46477561-CG-C. GRCh37 (hg19) VCF-style: chr18-44057524-CG-C.
Other names: c.6546del (NM_144612.6); c.1449del, p.Gly484fs (NM_001145473.3); c.6546del, p.Gly2183fs (NM_144612.7); c.3307+92del (NM_001145472.3); c.3033+78del (NM_001308013.2); c.1371+78del (NM_001173129.2); short protein forms G2183fs, G2245fs, G484fs.
Identifiers: ClinVar variation 3066253 (VCV003066253.2), dbSNP rs2511329815, ClinGen allele CA2641664908.